The following is an entry in ClinVar:

ClinVar aggregate classification (germline): Uncertain significance (0 of 4 stars; one submission).

Conditions:
TBX3-related disorder. Also called: TBX3-related condition.

Submission:

PreventionGenetics, part of Exact Sciences
Classification: Uncertain significance for TBX3-related condition. Last evaluated: 2023-12-22. Review status: no assertion criteria provided. Collection method: clinical testing. Allele origin: germline.
Comment: The TBX3 c.2221G>A variant is predicted to result in the amino acid substitution p.Ala741Thr. To our knowledge, this variant has not been reported in the literature or in a large population database, indicating this variant is rare. At this time, the clinical significance of this variant is uncertain due to the absence of conclusive functional and genetic evidence.

NM_005996.4(TBX3):c.2161G>A (p.Ala721Thr)

Gene: TBX3 (T-box transcription factor 3; minus strand). Cytogenetic location: 12q24.21.
Variant type: single nucleotide variant.
Coding change: c.2161G>A on transcript NM_005996.4 (MANE Select); coding-DNA position 2161, G replaced by A.
Protein change: p.Ala721Thr; replaces alanine 721 with threonine.
Molecular consequence: missense variant.
Genome position (GRCh38, 1-based): chr12:114,671,852, C>T on the plus strand (G>A on the coding strand, the complement: TBX3 is on the minus strand). VCF-style: chr12-114671852-C-T. GRCh37 (hg19) VCF-style: chr12-115109657-C-T.
Other names: c.2221G>A, p.Ala741Thr (NM_016569.4); short protein forms A721T, A741T.
Identifiers: ClinVar variation 3348538 (VCV003348538.1).